The following is an entry in ClinVar:

NM_000075.4(CDK4):c.428C>T (p.Pro143Leu)

Gene: CDK4 (cyclin dependent kinase 4; minus strand). Cytogenetic location: 12q14.1.
Variant type: single nucleotide variant.
Coding change: c.428C>T on transcript NM_000075.4 (MANE Select); coding-DNA position 428, C replaced by T.
Protein change: p.Pro143Leu; replaces proline 143 with leucine.
Molecular consequence: missense variant.
Genome position (GRCh38, 1-based): chr12:57,751,017, G>A on the plus strand (C>T on the coding strand, the complement: CDK4 is on the minus strand). VCF-style: chr12-57751017-G-A. GRCh37 (hg19) VCF-style: chr12-58144800-G-A.
Other names: short protein forms P143L.
Identifiers: ClinVar variation 2452464 (VCV002452464.2), dbSNP rs2140386573, ClinGen allele CA385546582.
Genomic context (GRCh38, chr12:57,751,017, plus strand): 5'-CTGGCCAGGCCAAAGTCAGCCAGCTTGACTGTTCCACCACTTGTCACCAGAATGTTCTCT[G>A]GCTTCAGATCTCGGTGAACGATGCAATTGGCATGAAGGAAATCTAGGCCTCTTAGAAACT-3'
Protein context (NP_000066.1, residues 133-153): ANCIVHRDLK[Pro143Leu]ENILVTSGGT

ClinVar aggregate classification (germline): Uncertain significance (1 of 4 stars; one submission).

Conditions:
Hereditary cancer-predisposing syndrome. Also called: Neoplastic Syndromes, Hereditary; Tumor predisposition; Hereditary neoplastic syndrome; Hereditary Cancer Syndrome. Identifiers: Orphanet 140162, MedGen C0027672, MeSH D009386, MONDO:0015356.

Submission:

Ambry Genetics
Classification: Uncertain significance for Hereditary cancer-predisposing syndrome. Last evaluated: 2022-11-03. Review status: criteria provided, single submitter. Criteria: Ambry Variant Classification Scheme 2023. Collection method: clinical testing. Allele origin: germline.
Comment: The p.P143L variant (also known as c.428C>T), located in coding exon 3 of the CDK4 gene, results from a C to T substitution at nucleotide position 428. The proline at codon 143 is replaced by leucine, an amino acid with similar properties. This amino acid position is conserved. In addition, this alteration is predicted to be deleterious by in silico analysis. Since supporting evidence is limited at this time, the clinical significance of this alteration remains unclear.